The following is an entry in ClinVar:

ClinVar aggregate classification (germline): Conflicting classifications of pathogenicity. Review status: criteria provided, conflicting classifications (1 of 4 stars). 3 submissions from 3 submitters: Likely pathogenic (1); Uncertain significance (2). Last evaluated 2025-01-24.

Conditions:
NDUFAF5-related disorder. Also called: NDUFAF5-related condition.
Mitochondrial complex I deficiency, nuclear type 16. Also called: Mitochondrial complex 1 deficiency, nuclear type 16. Identifiers: MedGen C4748785, MONDO:0032621, OMIM 618238.

Allele frequency attached by ClinVar (database versions not stated): ExAC 0.00002; gnomAD 0.00002; gnomAD exomes 0.00002; TOPMed 0.00003.

Submissions (3):

PreventionGenetics, part of Exact Sciences
Classification: Uncertain significance for NDUFAF5-related condition. Last evaluated: 2025-01-24. Review status: criteria provided, single submitter. Criteria: ACMG Guidelines, 2015. Collection method: clinical testing. Allele origin: germline.
Comment: The NDUFAF5 c.848C>T variant is predicted to result in the amino acid substitution p.Ala283Val. This variant has been reported in compound heterozygous state in individuals with mitochondrial complex I deficiency or Leigh syndrome (Ahmed et al. 2017. PubMed: 29142257; Wang et al. 2022. PubMed: 36137349; Verma et al. 2024. PubMed ID: 37688338). This variant is reported in 0.0033% of alleles in individuals of South Asian descent in gnomAD. Although we suspect that this variant may be pathogenic, at this time, the clinical significance of this variant is uncertain due to the absence of conclusive functional and genetic evidence.

Baylor Genetics
Classification: Likely pathogenic for Mitochondrial complex I deficiency, nuclear type 16. Last evaluated: 2024-03-28. Review status: criteria provided, single submitter. Criteria: ACMG Guidelines, 2015. Collection method: clinical testing. Allele origin: unknown.

Labcorp Genetics (formerly Invitae), Labcorp
Classification: Uncertain significance. Last evaluated: 2022-08-21. Review status: criteria provided, single submitter. Criteria: Invitae Variant Classification Sherloc (09022015). Collection method: clinical testing. Allele origin: germline.
Comment: This sequence change replaces alanine, which is neutral and non-polar, with valine, which is neutral and non-polar, at codon 283 of the NDUFAF5 protein (p.Ala283Val). This variant is present in population databases (rs201262678, gnomAD 0.003%). This variant has not been reported in the literature in individuals affected with NDUFAF5-related conditions. Algorithms developed to predict the effect of missense changes on protein structure and function are either unavailable or do not agree on the potential impact of this missense change (SIFT: "Deleterious"; PolyPhen-2: "Probably Damaging"; Align-GVGD: "Class C0"). In summary, the available evidence is currently insufficient to determine the role of this variant in disease. Therefore, it has been classified as a Variant of Uncertain Significance.

NM_024120.5(NDUFAF5):c.848C>T (p.Ala283Val)

Gene: NDUFAF5 (NADH:ubiquinone oxidoreductase complex assembly factor 5; plus strand). Cytogenetic location: 20p12.1.
Variant type: single nucleotide variant.
Coding change: c.848C>T on transcript NM_024120.5 (MANE Select); coding-DNA position 848, C replaced by T.
Protein change: p.Ala283Val; replaces alanine 283 with valine.
Molecular consequence: missense variant. On other transcripts: non-coding transcript variant (7).
Genome position (GRCh38, 1-based): chr20:13,816,532, C>T. VCF-style: chr20-13816532-C-T. GRCh37 (hg19) VCF-style: chr20-13797178-C-T.
Other names: c.848C>T (NM_024120.4); c.764C>T, p.Ala255Val (NM_001039375.3); c.377C>T, p.Ala126Val (NM_001352403.2); c.287C>T, p.Ala96Val (NM_001352406.2, NM_001352407.2); short protein forms A283V, A96V, A126V, A255V.
Identifiers: ClinVar variation 1983095 (VCV001983095.3), dbSNP rs201262678, ClinGen allele CA9767900.